The following is an entry in ClinVar:

NM_001048174.2(MUTYH):c.849+10C>T

Gene: MUTYH (mutY DNA glycosylase; minus strand). Cytogenetic location: 1p34.1.
Variant type: single nucleotide variant.
Coding change: c.849+10C>T on transcript NM_001048174.2 (MANE Select); 10 bases into the intron after coding-DNA position 849, C replaced by T.
Molecular consequence: intron variant.
Genome position (GRCh38, 1-based): chr1:45,332,156, G>A on the plus strand (C>T on the coding strand, the complement: MUTYH is on the minus strand). VCF-style: chr1-45332156-G-A. GRCh37 (hg19) VCF-style: chr1-45797828-G-A.
Other names: c.504+10C>T (NM_001350651.2, NM_001350650.2); c.573+10C>T (NM_001293192.2, NM_001293196.2); c.849+10C>T (NM_001048171.2, NM_001048173.2, NM_001293195.2); c.894+10C>T (NM_001293190.2); c.924+10C>T (NM_012222.3); c.933+10C>T (NM_001128425.2); c.852+10C>T (NM_001048172.2); c.882+10C>T (NM_001293191.2).
Identifiers: ClinVar variation 414152 (VCV000414152.12), dbSNP rs1060504205, ClinGen allele CA16610123.

ClinVar aggregate classification (germline): Conflicting classifications of pathogenicity. Review status: criteria provided, conflicting classifications (1 of 4 stars). 2 submissions from 2 submitters: Uncertain significance (1); Likely benign (1). Last evaluated 2023-09-12.

Conditions:
Familial adenomatous polyposis 2. Also called: COLORECTAL ADENOMATOUS POLYPOSIS, AUTOSOMAL RECESSIVE; MUTYH Polyposis; MUTYH-associated polyposis; MUTYH-related attenuated familial adenomatous polyposis; Adenomas, multiple colorectal; ADENOMAS, MULTIPLE COLORECTAL, AUTOSOMAL RECESSIVE. Identifiers: Orphanet 220460, Orphanet 247798, MedGen C3272841, MONDO:0012041, OMIM 608456.

Allele frequency attached by ClinVar (database versions not stated): TOPMed below 0.00001.
gnomAD v4.1: 3 of 1,614,210 alleles (0.00019%); highest among the groups gnomAD compares: Non-Finnish European, 0.00025%; no homozygotes.

Submissions (2):

Labcorp Genetics (formerly Invitae), Labcorp
Classification: Likely benign for Familial adenomatous polyposis 2. Last evaluated: 2023-09-12. Review status: criteria provided, single submitter. Criteria: Invitae Variant Classification Sherloc (09022015). Collection method: clinical testing. Allele origin: germline.

GeneDx
Classification: Uncertain significance. Last evaluated: 2016-07-11. Review status: criteria provided, single submitter. Criteria: GeneDx Variant Classification (06012015). Collection method: clinical testing. Allele origin: germline. Affected: yes.
Comment: This variant is denoted MUTYH c.933+10C>T or IVS10+10C>T and consists of a C>T nucleotide substitution at the +10 position of intron 10 of the MUTYH gene. This variant is not predicted to cause abnormal splicing; however, in the absence of RNA or functional studies, the actual effect of this variant is unknown. This variant has not, to our knowledge, been published in the literature as pathogenic or benign. MUTYH c.933+10C>T was not observed in approximately 6,500 individuals of European and African American ancestry in the NHLBI Exome Sequencing Project, suggesting it is not a common benign variant in these populations. The cytosine (C) nucleotide that is altered is conserved through mammals. Based on currently available information, it is unclear whether MUTYH c.933+10C>T is pathogenic or benign. We consider it to be a variant of uncertain significance. Of note, MUTYH-Associated Polyposis (MAP) is a recessive condition associated with two pathogenic variants on opposite chromosomes in MUTYH.